The following is an entry in ClinVar:

NM_005502.4(ABCA1):c.2296G>A (p.Ala766Thr)

Gene: ABCA1 (ATP binding cassette subfamily A member 1; minus strand). Cytogenetic location: 9q31.1.
Variant type: single nucleotide variant.
Coding change: c.2296G>A on transcript NM_005502.4 (MANE Select); coding-DNA position 2296, G replaced by A.
Protein change: p.Ala766Thr; replaces alanine 766 with threonine.
Molecular consequence: missense variant.
Genome position (GRCh38, 1-based): chr9:104,826,989, C>T on the plus strand (G>A on the coding strand, the complement: ABCA1 is on the minus strand). VCF-style: chr9-104826989-C-T. GRCh37 (hg19) VCF-style: chr9-107589270-C-T.
Other names: short protein forms A766T.
Identifiers: ClinVar variation 4825563 (VCV004825563.1).

ClinVar aggregate classification (germline): Uncertain significance (1 of 4 stars; one submission).

Conditions:
Cardiovascular phenotype. Identifiers: MedGen CN230736.

Submission:

Ambry Genetics
Classification: Uncertain significance for Cardiovascular phenotype. Last evaluated: 2026-02-19. Review status: criteria provided, single submitter. Criteria: Ambry Variant Classification Scheme 2023. Collection method: clinical testing. Allele origin: germline.
Comment: The p.A766T variant (also known as c.2296G>A), located in coding exon 15 of the ABCA1 gene, results from a G to A substitution at nucleotide position 2296. The alanine at codon 766 is replaced by threonine, an amino acid with similar properties. This amino acid position is conserved. In addition, the in silico prediction for this alteration is inconclusive. Based on the available evidence, the clinical significance of this variant remains unclear.